The following is an entry in ClinVar:

NM_004722.4(AP4M1):c.1002C>T (p.Leu334=)

Gene: AP4M1 (adaptor related protein complex 4 subunit mu 1; plus strand). Cytogenetic location: 7q22.1.
Variant type: single nucleotide variant.
Coding change: c.1002C>T on transcript NM_004722.4 (MANE Select); coding-DNA position 1002, C replaced by T.
Protein change: p.Leu334=; no amino-acid change (leucine 334 retained).
Molecular consequence: synonymous variant.
Genome position (GRCh38, 1-based): chr7:100,106,268, C>T. VCF-style: chr7-100106268-C-T. GRCh37 (hg19) VCF-style: chr7-99703891-C-T.
Other names: p.Leu334=; c.1023C>T, p.Leu341= (NM_001363671.2).
Identifiers: ClinVar variation 128403 (VCV000128403.21), dbSNP rs140843407, ClinGen allele CA151849.

ClinVar aggregate classification (germline): Benign/Likely benign. Review status: criteria provided, multiple submitters, no conflicts (2 of 4 stars). 7 submissions from 7 submitters: Benign (6); Likely benign (1). Last evaluated 2026-01-31.

Conditions:
Hereditary spastic paraplegia 50 (SPG50). Also called: Spastic paraplegia 50, autosomal recessive. Identifiers: Orphanet 280763, MedGen C2752008, MONDO:0013048, OMIM 612936.
Hereditary spastic paraplegia. Also called: Familial spastic paraparesis. Identifiers: Orphanet 685, MedGen C0037773, MONDO:0019064. Disease mechanism: loss of function.

Allele frequency attached by ClinVar (database versions not stated): ESP Exome Variant Server 0.00554; gnomAD 0.00656 and 0.00683; 1000 Genomes Project 0.00839; 1000 Genomes Project 30x 0.00843; gnomAD exomes 0.00854 and 0.01702; TOPMed 0.01072; ExAC 0.01595.
gnomAD v4.1: 13,502 of 1,614,108 alleles (0.84%); highest among the groups gnomAD compares: Admixed American, 6.4%; 230 homozygotes.

Submissions (7):

Labcorp Genetics (formerly Invitae), Labcorp
Classification: Benign for Hereditary spastic paraplegia 50. Last evaluated: 2026-01-31. Review status: criteria provided, single submitter. Criteria: Invitae Variant Classification Sherloc (09022015). Collection method: clinical testing. Allele origin: germline.

Fulgent Genetics
Classification: Likely benign for Hereditary spastic paraplegia 50. Last evaluated: 2021-12-13. Review status: criteria provided, single submitter. Criteria: ACMG Guidelines, 2015. Collection method: clinical testing. Allele origin: unknown.

Genome Diagnostics Laboratory, The Hospital for Sick Children
Classification: Benign for Hereditary spastic paraplegia. Last evaluated: 2021-10-07. Review status: criteria provided, single submitter. Criteria: ACMG Guidelines, 2015. Collection method: clinical testing. Allele origin: germline. Affected: yes.

Mayo Clinic Laboratories, Mayo Clinic
Classification: Benign. Last evaluated: 2019-07-29. Review status: criteria provided, single submitter. Criteria: ACMG Guidelines, 2015. Collection method: clinical testing. Allele origin: germline. Observed: 14 variant alleles.

GeneDx
Classification: Benign. Last evaluated: 2017-03-28. Review status: criteria provided, single submitter. Criteria: GeneDx Variant Classification (06012015). Collection method: clinical testing. Allele origin: germline. Affected: yes.
Comment: This variant is considered likely benign or benign based on one or more of the following criteria: it is a conservative change, it occurs at a poorly conserved position in the protein, it is predicted to be benign by multiple in silico algorithms, and/or has population frequency not consistent with disease.

Genetic Services Laboratory, University of Chicago
Classification: Benign for AllHighlyPenetrant. Last evaluated: 2013-04-08. Review status: criteria provided, single submitter. Criteria: ACMG Guidelines, 2007. Collection method: clinical testing. Allele origin: germline. Inheritance: Autosomal recessive inheritance.

Breakthrough Genomics
Classification: Benign. Review status: criteria provided, single submitter. Criteria: ACMG Guidelines, 2015. Collection method: not provided. Allele origin: germline. Inheritance: Autosomal recessive inheritance. Affected: yes.